The following is an entry in ClinVar:

ClinVar aggregate classification (germline): Benign/Likely benign. Review status: criteria provided, multiple submitters, no conflicts (2 of 4 stars). 2 submissions from 2 submitters: Benign (1); Likely benign (1). Last evaluated 2018-06-14.

Submissions (2):

GeneDx
Classification: Benign. Last evaluated: 2018-06-14. Review status: criteria provided, single submitter. Criteria: GeneDx Variant Classification (06012015). Collection method: clinical testing. Allele origin: germline. Affected: yes.
Comment: This variant is considered likely benign or benign based on one or more of the following criteria: it is a conservative change, it occurs at a poorly conserved position in the protein, it is predicted to be benign by multiple in silico algorithms, and/or has population frequency not consistent with disease.

PreventionGenetics, part of Exact Sciences
Classification: Likely benign. Review status: criteria provided, single submitter. Criteria: ACMG Guidelines, 2015. Collection method: clinical testing. Allele origin: germline.

NM_182961.4(SYNE1):c.4788+26_4788+28del

Gene: SYNE1 (spectrin repeat containing nuclear envelope protein 1; minus strand). Cytogenetic location: 6q25.2.
Variant type: Microsatellite.
Coding change: c.4788+26_4788+28del on transcript NM_182961.4 (MANE Select); bases 26 to 28 of the intron after coding-DNA position 4788, 3 bases deleted (CTA; older notation c.4788+26_4788+28delCTA).
Molecular consequence: intron variant.
Genome position (GRCh38, 1-based): chr6:152,430,084-152,430,086, TAG deleted on the plus strand (CTA on the coding strand, the reverse complement: SYNE1 is on the minus strand); deleting any 3 consecutive bases within chr6:152,430,084-152,430,089 gives the same sequence; the c. name uses the placement nearest the transcript's 3' end. VCF-style (leftmost placement, unchanged base first): chr6-152430083-ATAG-A. GRCh37 (hg19) VCF-style: chr6-152751218-ATAG-A.
Other names: c.4809+26_4809+28delCTA (NM_033071.3); c.4809+26_4809+28del (NM_033071.5).
Identifiers: ClinVar variation 262197 (VCV000262197.2), dbSNP rs71659863, ClinGen allele CA4058465.